The following is an entry in ClinVar:

ClinVar aggregate classification (germline): Benign. Review status: criteria provided, multiple submitters, no conflicts (2 of 4 stars). 10 submissions from 10 submitters: Benign (8). 2 of the submissions do not count toward it. Last evaluated 2026-02-03.

Conditions:
Cerebral cavernous malformation 2. Also called: Familial Cerebral Cavernous Malformation 2. Identifiers: Orphanet 221061, MedGen C1864041, MONDO:0011304, OMIM 603284.
CCM2-related disorder. Also called: CCM2-related condition.

Allele frequency attached by ClinVar (database versions not stated): gnomAD 0.22659 and 0.22553; ESP Exome Variant Server 0.22736; gnomAD exomes 0.23051 and 0.21773; TOPMed 0.23269; ExAC 0.23674; 1000 Genomes Project 0.21985; 1000 Genomes Project 30x 0.22064.
gnomAD v4.1: 349,323 of 1,602,280 alleles (22%); highest among the groups gnomAD compares: Admixed American, 32%; 39,162 homozygotes.

Submissions 1 to 30 of 99:

Labcorp Genetics (formerly Invitae), Labcorp
Classification: Benign for Cerebral cavernous malformation 2. Last evaluated: 2026-02-03. Review status: criteria provided, single submitter. Criteria: Invitae Variant Classification Sherloc (09022015). Collection method: clinical testing. Allele origin: germline.

ARUP Laboratories, Molecular Genetics and Genomics, ARUP Laboratories
Classification: Benign for Cerebral cavernous malformation 2. Last evaluated: 2025-07-18. Review status: criteria provided, single submitter. Criteria: ARUP Molecular Germline Variant Investigation Process 2024. Collection method: clinical testing. Allele origin: germline.

Blueprint Genetics
Classification: Benign. Last evaluated: 2024-11-27. Review status: criteria provided, single submitter. Criteria: ACMG Guidelines, 2015. Collection method: clinical testing. Allele origin: germline.

Mayo Clinic Laboratories, Mayo Clinic
Classification: Benign. Last evaluated: 2023-01-13. Review status: criteria provided, single submitter. Criteria: ACMG Guidelines, 2015. Collection method: clinical testing. Allele origin: germline. Observed: 418 variant alleles.
Comment: BA1

Athena Diagnostics
Classification: Benign. Last evaluated: 2017-11-24. Review status: criteria provided, single submitter. Criteria: Athena Diagnostics Criteria. Collection method: clinical testing. Allele origin: germline.

Clinical Genetics DNA and cytogenetics Diagnostics Lab, Erasmus MC, Erasmus Medical Center
Classification: Benign for Cerebral cavernous malformation 2. Last evaluated: 2015-09-21. Review status: criteria provided, single submitter. Criteria: ACGS Guidelines, 2013. Collection method: clinical testing. Allele origin: germline. Affected: yes. Study: VKGL Data-share Consensus.

GeneDx
Classification: Benign. Last evaluated: 2015-03-03. Review status: criteria provided, single submitter. Criteria: GeneDx Variant Classification Process June 2021. Collection method: clinical testing. Allele origin: germline. Affected: yes.
Comment: This variant is associated with the following publications: (PMID: 27708576)

Genome Diagnostics Laboratory, University Medical Center Utrecht
Classification: Benign for Cerebral cavernous malformation 2. Last evaluated: 2014-10-10. Review status: criteria provided, single submitter. Criteria: ACGS Guidelines, 2013. Collection method: clinical testing. Allele origin: germline. Affected: yes. Study: VKGL Data-share Consensus.

PreventionGenetics, part of Exact Sciences
Classification: Benign for CCM2-related condition. Last evaluated: 2024-07-02. Review status: no assertion criteria provided. Collection method: clinical testing. Allele origin: germline. Not counted in ClinVar's aggregate classification.
Comment: This variant is classified as benign based on ACMG/AMP sequence variant interpretation guidelines (Richards et al. 2015 PMID: 25741868, with internal and published modifications).

Clinical Genetics, Academic Medical Center
Classification: Benign. Review status: no assertion criteria provided. Collection method: clinical testing. Allele origin: germline. Affected: yes. Study: VKGL Data-share Consensus. Not counted in ClinVar's aggregate classification.

Dr. Peter K. Rogan Lab, Western University
No classification provided (evidence only). Condition: Familial cancer of breast. Review status: no classification provided. Collection method: in vitro. Allele origin: not applicable. Functional consequence: retained intron. Not counted in ClinVar's aggregate classification.

Dr. Peter K. Rogan Lab, Western University
No classification provided (evidence only). Condition: Malignant lymphoma, large B-cell, diffuse. Review status: no classification provided. Collection method: in vitro. Allele origin: not applicable. Functional consequence: retained intron. Not counted in ClinVar's aggregate classification.

Dr. Peter K. Rogan Lab, Western University
No classification provided (evidence only). Condition: Malignant lymphoma, large B-cell, diffuse. Review status: no classification provided. Collection method: in vitro. Allele origin: not applicable. Functional consequence: retained intron. Not counted in ClinVar's aggregate classification.

Dr. Peter K. Rogan Lab, Western University
No classification provided (evidence only). Condition: Malignant lymphoma, large B-cell, diffuse. Review status: no classification provided. Collection method: in vitro. Allele origin: not applicable. Functional consequence: retained intron. Not counted in ClinVar's aggregate classification.

Dr. Peter K. Rogan Lab, Western University
No classification provided (evidence only). Condition: Malignant lymphoma, large B-cell, diffuse. Review status: no classification provided. Collection method: in vitro. Allele origin: not applicable. Functional consequence: retained intron. Not counted in ClinVar's aggregate classification.

Dr. Peter K. Rogan Lab, Western University
No classification provided (evidence only). Condition: Malignant lymphoma, large B-cell, diffuse. Review status: no classification provided. Collection method: in vitro. Allele origin: not applicable. Functional consequence: retained intron. Not counted in ClinVar's aggregate classification.

Dr. Peter K. Rogan Lab, Western University
No classification provided (evidence only). Condition: Malignant lymphoma, large B-cell, diffuse. Review status: no classification provided. Collection method: in vitro. Allele origin: not applicable. Functional consequence: retained intron. Not counted in ClinVar's aggregate classification.

Dr. Peter K. Rogan Lab, Western University
No classification provided (evidence only). Condition: Malignant lymphoma, large B-cell, diffuse. Review status: no classification provided. Collection method: in vitro. Allele origin: not applicable. Functional consequence: retained intron. Not counted in ClinVar's aggregate classification.

Dr. Peter K. Rogan Lab, Western University
No classification provided (evidence only). Condition: Malignant lymphoma, large B-cell, diffuse. Review status: no classification provided. Collection method: in vitro. Allele origin: not applicable. Functional consequence: retained intron. Not counted in ClinVar's aggregate classification.

Dr. Peter K. Rogan Lab, Western University
No classification provided (evidence only). Condition: Malignant lymphoma, large B-cell, diffuse. Review status: no classification provided. Collection method: in vitro. Allele origin: not applicable. Functional consequence: retained intron. Not counted in ClinVar's aggregate classification.

Dr. Peter K. Rogan Lab, Western University
No classification provided (evidence only). Condition: Malignant lymphoma, large B-cell, diffuse. Review status: no classification provided. Collection method: in vitro. Allele origin: not applicable. Functional consequence: retained intron. Not counted in ClinVar's aggregate classification.

Dr. Peter K. Rogan Lab, Western University
No classification provided (evidence only). Condition: Uterine carcinosarcoma. Review status: no classification provided. Collection method: in vitro. Allele origin: not applicable. Functional consequence: retained intron. Not counted in ClinVar's aggregate classification.

Dr. Peter K. Rogan Lab, Western University
No classification provided (evidence only). Condition: Uterine carcinosarcoma. Review status: no classification provided. Collection method: in vitro. Allele origin: not applicable. Functional consequence: retained intron. Not counted in ClinVar's aggregate classification.

Dr. Peter K. Rogan Lab, Western University
No classification provided (evidence only). Condition: Uterine carcinosarcoma. Review status: no classification provided. Collection method: in vitro. Allele origin: not applicable. Functional consequence: retained intron. Not counted in ClinVar's aggregate classification.

Dr. Peter K. Rogan Lab, Western University
No classification provided (evidence only). Condition: Uterine carcinosarcoma. Review status: no classification provided. Collection method: in vitro. Allele origin: not applicable. Functional consequence: retained intron. Not counted in ClinVar's aggregate classification.

Dr. Peter K. Rogan Lab, Western University
No classification provided (evidence only). Condition: Uterine carcinosarcoma. Review status: no classification provided. Collection method: in vitro. Allele origin: not applicable. Functional consequence: retained intron. Not counted in ClinVar's aggregate classification.

Dr. Peter K. Rogan Lab, Western University
No classification provided (evidence only). Condition: Uterine carcinosarcoma. Review status: no classification provided. Collection method: in vitro. Allele origin: not applicable. Functional consequence: retained intron. Not counted in ClinVar's aggregate classification.

Dr. Peter K. Rogan Lab, Western University
No classification provided (evidence only). Condition: Uterine carcinosarcoma. Review status: no classification provided. Collection method: in vitro. Allele origin: not applicable. Functional consequence: retained intron. Not counted in ClinVar's aggregate classification.

Dr. Peter K. Rogan Lab, Western University
No classification provided (evidence only). Condition: Uterine carcinosarcoma. Review status: no classification provided. Collection method: in vitro. Allele origin: not applicable. Functional consequence: retained intron. Not counted in ClinVar's aggregate classification.

Dr. Peter K. Rogan Lab, Western University
No classification provided (evidence only). Condition: Uterine carcinosarcoma. Review status: no classification provided. Collection method: in vitro. Allele origin: not applicable. Functional consequence: retained intron. Not counted in ClinVar's aggregate classification.

NM_031443.4(CCM2):c.915G>A (p.Thr305=)

Gene: CCM2 (CCM2 scaffold protein; plus strand). Cytogenetic location: 7p13.
Variant type: single nucleotide variant.
Coding change: c.915G>A on transcript NM_031443.4 (MANE Select); coding-DNA position 915, G replaced by A.
Protein change: p.Thr305=; no amino-acid change (threonine 305 retained).
Molecular consequence: synonymous variant. On other transcripts: non-coding transcript variant (1).
Genome position (GRCh38, 1-based): chr7:45,073,571, G>A. VCF-style: chr7-45073571-G-A. GRCh37 (hg19) VCF-style: chr7-45113170-G-A.
Other names: p.Thr305=; c.978G>A, p.Thr326= (NM_001029835.2); c.741G>A, p.Thr247= (NM_001167934.2); c.642G>A, p.Thr214= (NM_001167935.2); c.1038G>A, p.Thr346= (NM_001363458.2); c.864G>A, p.Thr288= (NM_001363459.2).
Identifiers: ClinVar variation 261975 (VCV000261975.33), dbSNP rs2289367, ClinGen allele CA4247177.
Genomic context (GRCh38, chr7:45,073,571, plus strand): 5'-CATCAGTGAGAGCGAGCTGAGCGCCAGCGCCACTGAGCTGCTGCAGGACTACATGCTGAC[G>A]GTAGGCCTCCGCTGCAGGGACGCTGGGCTGCATGAGGGAGGGGGTGCCCCAGGGAGGATG-3'
Protein context (NP_113631.1, residues 295-315): ATELLQDYML[Thr305=]LRTKLSSQEI